The following is an entry in ClinVar:

NM_000444.6(PHEX):c.1715G>C (p.Gly572Ala)

Genes: PHEX (phosphate regulating endopeptidase X-linked; plus strand), PTCHD1-AS (PTCHD1 and PHEX antisense RNA; minus strand). Cytogenetic location: Xp22.11.
Variant type: single nucleotide variant.
Coding change: c.1715G>C on transcript NM_000444.6 (MANE Select); coding-DNA position 1715, G replaced by C.
Protein change: p.Gly572Ala; replaces glycine 572 with alanine.
Molecular consequence: missense variant.
Genome position (GRCh38, 1-based): chrX:22,219,050, G>C. VCF-style: chrX-22219050-G-C. GRCh37 (hg19) VCF-style: chrX-22237167-G-C.
Other names: c.1715G>C, p.Gly572Ala (NM_001282754.2); short protein forms G572A.
Identifiers: ClinVar variation 1995699 (VCV001995699.4), dbSNP rs1057517795, ClinGen allele CA412575746.

ClinVar aggregate classification (germline): Likely pathogenic (1 of 4 stars; one submission).

Submission:

Labcorp Genetics (formerly Invitae), Labcorp
Classification: Likely pathogenic. Last evaluated: 2022-05-17. Review status: criteria provided, single submitter. Criteria: Invitae Variant Classification Sherloc (09022015). Collection method: clinical testing. Allele origin: germline.
Comment: Advanced modeling of protein sequence and biophysical properties (such as structural, functional, and spatial information, amino acid conservation, physicochemical variation, residue mobility, and thermodynamic stability) performed at Invitae indicates that this missense variant is expected to disrupt PHEX protein function. This sequence change replaces glycine, which is neutral and non-polar, with alanine, which is neutral and non-polar, at codon 572 of the PHEX protein (p.Gly572Ala). This variant is not present in population databases (gnomAD no frequency). This missense change has been observed in individual(s) with X-linked hypophosphatemia (Invitae). This variant disrupts the p.Gly572 amino acid residue in PHEX. Other variant(s) that disrupt this residue have been determined to be pathogenic (Invitae). This suggests that this residue is clinically significant, and that variants that disrupt this residue are likely to be disease-causing. In summary, the currently available evidence indicates that the variant is pathogenic, but additional data are needed to prove that conclusively. Therefore, this variant has been classified as Likely Pathogenic.